The following is an entry in ClinVar:

NM_002439.5(MSH3):c.1840C>G (p.His614Asp)

Gene: MSH3 (mutS homolog 3; plus strand). Cytogenetic location: 5q14.1.
Variant type: single nucleotide variant.
Coding change: c.1840C>G on transcript NM_002439.5 (MANE Select); coding-DNA position 1840, C replaced by G.
Protein change: p.His614Asp; replaces histidine 614 with aspartic acid.
Molecular consequence: missense variant.
Genome position (GRCh38, 1-based): chr5:80,761,622, C>G. VCF-style: chr5-80761622-C-G. GRCh37 (hg19) VCF-style: chr5-80057441-C-G.
Other names: short protein forms H614D.
Identifiers: ClinVar variation 820167 (VCV000820167.16), dbSNP rs368729300, ClinGen allele CA3328060.

ClinVar aggregate classification (germline): Uncertain significance. Review status: criteria provided, multiple submitters, no conflicts (2 of 4 stars). 3 submissions from 3 submitters: Uncertain significance (3). Last evaluated 2026-01-17.

Conditions:
Hereditary cancer-predisposing syndrome. Also called: Neoplastic Syndromes, Hereditary; Tumor predisposition; Hereditary Cancer Syndrome; Hereditary neoplastic syndrome. Identifiers: Orphanet 140162, MedGen C0027672, MeSH D009386, MONDO:0015356.
Endometrial carcinoma. Also called: Endometrial carcinoma, somatic. Identifiers: MedGen C0476089, MONDO:0002447, OMIM 608089, HP:0012114.

Allele frequency attached by ClinVar (database versions not stated): gnomAD exomes below 0.00001; ExAC 0.00001; gnomAD 0.00001; TOPMed 0.00001; ESP Exome Variant Server 0.00008.
gnomAD v4.1: 5 of 1,613,920 alleles (0.00031%); highest among the groups gnomAD compares: Non-Finnish European, 0.00042%; no homozygotes.

Submissions (3):

Labcorp Genetics (formerly Invitae), Labcorp
Classification: Uncertain significance. Last evaluated: 2026-01-17. Review status: criteria provided, single submitter. Criteria: Invitae Variant Classification Sherloc (09022015). Collection method: clinical testing. Allele origin: germline.
Comment: This sequence change replaces histidine, which is basic and polar, with aspartic acid, which is acidic and polar, at codon 614 of the MSH3 protein (p.His614Asp). This variant is present in population databases (rs368729300, gnomAD 0.007%). This variant has not been reported in the literature in individuals affected with MSH3-related conditions. ClinVar contains an entry for this variant (Variation ID: 820167). An algorithm developed to predict the effect of missense changes on protein structure and function (PolyPhen-2) suggests that this variant is likely to be tolerated. In summary, the available evidence is currently insufficient to determine the role of this variant in disease. Therefore, it has been classified as a Variant of Uncertain Significance.

Ambry Genetics
Classification: Uncertain significance for Hereditary cancer-predisposing syndrome. Last evaluated: 2024-08-19. Review status: criteria provided, single submitter. Criteria: Ambry Variant Classification Scheme 2023. Collection method: clinical testing. Allele origin: germline.
Comment: The p.H614D variant (also known as c.1840C>G), located in coding exon 13 of the MSH3 gene, results from a C to G substitution at nucleotide position 1840. The histidine at codon 614 is replaced by aspartic acid, an amino acid with similar properties. This amino acid position is not well conserved in available vertebrate species. In addition, the in silico prediction for this alteration is inconclusive. Since supporting evidence is limited at this time, the clinical significance of this alteration remains unclear.

Baylor Genetics
Classification: Uncertain significance for Endometrial carcinoma. Last evaluated: 2024-02-12. Review status: criteria provided, single submitter. Criteria: ACMG Guidelines, 2015. Collection method: clinical testing. Allele origin: unknown.